The following is an entry in ClinVar:

ClinVar aggregate classification (germline): Uncertain significance (1 of 4 stars; one submission).

Allele frequency attached by ClinVar (database versions not stated): ExAC 0.00001; gnomAD exomes 0.00001.
gnomAD v4.1: 16 of 1,613,162 alleles (0.00099%); highest among the groups gnomAD compares: Admixed American, 0.005%; no homozygotes.

Submission:

Labcorp Genetics (formerly Invitae), Labcorp
Classification: Uncertain significance. Last evaluated: 2024-10-28. Review status: criteria provided, single submitter. Criteria: Invitae Variant Classification Sherloc (09022015). Collection method: clinical testing. Allele origin: germline.
Comment: This sequence change falls in intron 14 of the PEPD gene. It does not directly change the encoded amino acid sequence of the PEPD protein. This variant is present in population databases (rs756435753, gnomAD 0.009%). This variant has not been reported in the literature in individuals affected with PEPD-related conditions. ClinVar contains an entry for this variant (Variation ID: 1362032). Algorithms developed to predict the effect of sequence changes on RNA splicing suggest that this variant may disrupt the consensus splice site. In summary, the available evidence is currently insufficient to determine the role of this variant in disease. Therefore, it has been classified as a Variant of Uncertain Significance.

NM_000285.4(PEPD):c.1345-12G>A

Gene: PEPD (peptidase D; minus strand). Cytogenetic location: 19q13.11.
Variant type: single nucleotide variant.
Coding change: c.1345-12G>A on transcript NM_000285.4 (MANE Select); 12 bases into the intron before coding-DNA position 1345, G replaced by A.
Molecular consequence: intron variant.
Genome position (GRCh38, 1-based): chr19:33,387,493, C>T on the plus strand (G>A on the coding strand, the complement: PEPD is on the minus strand). VCF-style: chr19-33387493-C-T. GRCh37 (hg19) VCF-style: chr19-33878399-C-T.
Other names: c.1153-12G>A (NM_001166057.2); c.1222-12G>A (NM_001166056.2).
Identifiers: ClinVar variation 1362032 (VCV001362032.5), dbSNP rs756435753, ClinGen allele CA9363890.